The following is an entry in ClinVar:

ClinVar aggregate classification (germline): Conflicting classifications of pathogenicity. Review status: criteria provided, conflicting classifications (1 of 4 stars). 6 submissions from 6 submitters: Uncertain significance (1); Likely benign (4). 1 of the submissions does not count toward it. Last evaluated 2026-01-27.

Conditions:
Hereditary cancer-predisposing syndrome. Also called: Neoplastic Syndromes, Hereditary; Hereditary neoplastic syndrome; Hereditary Cancer Syndrome; Tumor predisposition. Identifiers: Orphanet 140162, MedGen C0027672, MeSH D009386, MONDO:0015356.
POLD1-related disorder. Also called: POLD1-related disorders; POLD1-related condition.
POLD1-related polyposis and colorectal cancer syndrome (CRCS10). Also called: Colorectal cancer, susceptibility to, 10; Colorectal cancer 10; COLORECTAL CANCER, SUSCEPTIBILITY TO, ON CHROMOSOME 19q. Identifiers: Orphanet 220460, MedGen C2675481, MONDO:0012953, OMIM 612591.
Immunodeficiency 120. Identifiers: MedGen C5935622, MONDO:0970994, OMIM 620836.
Mandibular hypoplasia-deafness-progeroid syndrome. Also called: Mandibular hypoplasia, deafness, progeroid features, and lipodystrophy syndrome. Identifiers: Orphanet 363649, MedGen C3715192, MONDO:0014157, OMIM 615381.

Allele frequency attached by ClinVar (database versions not stated): gnomAD exomes 0.00003; gnomAD 0.00004 and 0.00005; TOPMed 0.00004.

Submissions (6):

Labcorp Genetics (formerly Invitae), Labcorp
Classification: Likely benign for POLD1-related polyposis and colorectal cancer syndrome. Last evaluated: 2026-01-27. Review status: criteria provided, single submitter. Criteria: Invitae Variant Classification Sherloc (09022015). Collection method: clinical testing. Allele origin: germline.

Department of Pathology and Laboratory Medicine, Sinai Health System
Classification: Uncertain significance for POLD1-related polyposis and colorectal cancer syndrome; Mandibular hypoplasia-deafness-progeroid syndrome; Immunodeficiency 120. Last evaluated: 2024-04-18. Review status: criteria provided, single submitter. Criteria: ACMG Guidelines, 2015. Collection method: clinical testing. Allele origin: germline. Affected: no.

Women's Health and Genetics/Laboratory Corporation of America, LabCorp
Classification: Likely benign. Last evaluated: 2022-07-21. Review status: criteria provided, single submitter. Criteria: LabCorp Variant Classification Summary - May 2015. Collection method: clinical testing. Allele origin: germline.

GeneDx
Classification: Likely benign. Last evaluated: 2020-03-07. Review status: criteria provided, single submitter. Criteria: GeneDx Variant Classification Process June 2021. Collection method: clinical testing. Allele origin: germline. Affected: yes.

Ambry Genetics
Classification: Likely benign for Hereditary cancer-predisposing syndrome. Last evaluated: 2015-07-06. Review status: criteria provided, single submitter. Criteria: Ambry Variant Classification Scheme 2023. Collection method: clinical testing. Allele origin: germline.

PreventionGenetics, part of Exact Sciences
Classification: Likely benign for POLD1-related condition. Last evaluated: 2021-05-09. Review status: no assertion criteria provided. Collection method: clinical testing. Allele origin: germline. Not counted in ClinVar's aggregate classification.
Comment: This variant is classified as likely benign based on ACMG/AMP sequence variant interpretation guidelines (Richards et al. 2015 PMID: 25741868, with internal and published modifications).

NM_002691.4(POLD1):c.2772C>T (p.Tyr924=)

Gene: POLD1 (DNA polymerase delta 1, catalytic subunit; plus strand). Cytogenetic location: 19q13.33.
Variant type: single nucleotide variant.
Coding change: c.2772C>T on transcript NM_002691.4 (MANE Select); coding-DNA position 2772, C replaced by T.
Protein change: p.Tyr924=; no amino-acid change (tyrosine 924 retained).
Molecular consequence: synonymous variant.
Genome position (GRCh38, 1-based): chr19:50,415,778, C>T. VCF-style: chr19-50415778-C-T. GRCh37 (hg19) VCF-style: chr19-50919035-C-T.
Other names: c.2850C>T, p.Tyr950= (LRG_785t2, NM_001308632.1); c.2772C>T, p.Tyr924= (LRG_785t1, NM_001256849.1).
Identifiers: ClinVar variation 391420 (VCV000391420.21), dbSNP rs867074778, ClinGen allele CA16609025.